The following is an entry in ClinVar:

NM_014846.4(WASHC5):c.166T>C (p.Phe56Leu)

Gene: WASHC5 (WASH complex subunit 5; minus strand). Cytogenetic location: 8q24.13.
Variant type: single nucleotide variant.
Coding change: c.166T>C on transcript NM_014846.4 (MANE Select); coding-DNA position 166, T replaced by C.
Protein change: p.Phe56Leu; replaces phenylalanine 56 with leucine.
Molecular consequence: missense variant. On other transcripts: intron variant (1).
Genome position (GRCh38, 1-based): chr8:125,083,733, A>G on the plus strand (T>C on the coding strand, the complement: WASHC5 is on the minus strand). VCF-style: chr8-125083733-A-G. GRCh37 (hg19) VCF-style: chr8-126095975-A-G.
Other names: c.-258-475T>C (NM_001330609.2); short protein forms F56L.
Identifiers: ClinVar variation 646014 (VCV000646014.48), dbSNP rs751591590, ClinGen allele CA4874204.

ClinVar aggregate classification (germline): Uncertain significance (1 of 4 stars; one submission).

Conditions:
Hereditary spastic paraplegia 8 (SPG8). Also called: SPASTIC PARAPLEGIA 8, AUTOSOMAL DOMINANT. Identifiers: Orphanet 100989, MedGen C1863704, MONDO:0011339, OMIM 603563.
Ritscher-Schinzel syndrome. Also called: CRANIOCEREBELLOCARDIAC DYSPLASIA. Identifiers: Orphanet 7, MedGen C0796137, MONDO:0019078.

Allele frequency attached by ClinVar (database versions not stated): ExAC 0.00001; gnomAD exomes 0.00001 and below 0.00001; gnomAD 0.00001; TOPMed 0.00001.
gnomAD v4.1: 4 of 1,612,750 alleles (0.00025%); highest among the groups gnomAD compares: Admixed American, 0.005%; no homozygotes.

Submission:

Labcorp Genetics (formerly Invitae), Labcorp
Classification: Uncertain significance for Ritscher-Schinzel syndrome; Hereditary spastic paraplegia 8. Last evaluated: 2018-11-06. Review status: criteria provided, single submitter. Criteria: Invitae Variant Classification Sherloc (09022015). Collection method: clinical testing. Allele origin: germline.
Comment: This sequence change replaces phenylalanine with leucine at codon 56 of the WASHC5 protein (p.Phe56Leu). The phenylalanine residue is moderately conserved and there is a small physicochemical difference between phenylalanine and leucine. In summary, the available evidence is currently insufficient to determine the role of this variant in disease. Therefore, it has been classified as a Variant of Uncertain Significance. Algorithms developed to predict the effect of missense changes on protein structure and function (SIFT, PolyPhen-2, Align-GVGD) all suggest that this variant is likely to be tolerated, but these predictions have not been confirmed by published functional studies and their clinical significance is uncertain. This variant has not been reported in the literature in individuals with WASHC5-related disease. This variant is present in population databases (rs751591590, ExAC 0.01%).